The following is an entry in ClinVar:

ClinVar aggregate classification (germline): Uncertain significance (1 of 4 stars; one submission).

Conditions:
Hereditary cancer-predisposing syndrome. Also called: Neoplastic Syndromes, Hereditary; Tumor predisposition; Hereditary neoplastic syndrome; Hereditary Cancer Syndrome. Identifiers: Orphanet 140162, MedGen C0027672, MeSH D009386, MONDO:0015356.

gnomAD v4.1: 1 of 1,614,072 alleles (0.000062%); highest among the groups gnomAD compares: Non-Finnish European, 0.000085%; no homozygotes.

Submission:

Ambry Genetics
Classification: Uncertain significance for Hereditary cancer-predisposing syndrome. Last evaluated: 2026-08-31. Review status: criteria provided, single submitter. Criteria: Ambry Variant Classification Scheme 2023. Collection method: clinical testing. Allele origin: germline.
Comment: The p.L615R variant (also known as c.1844T>G), located in coding exon 11 of the SMARCA4 gene, results from a T to G substitution at nucleotide position 1844. The leucine at codon 615 is replaced by arginine, an amino acid with dissimilar properties. This amino acid position is conserved. In addition, the in silico prediction for this alteration is inconclusive. Based on the available evidence, the clinical significance of this variant remains unclear.

NM_003072.5(SMARCA4):c.1844T>G (p.Leu615Arg)

Gene: SMARCA4 (SWI/SNF related BAF chromatin remodeling complex subunit ATPase 4; plus strand). Cytogenetic location: 19p13.2.
Variant type: single nucleotide variant.
Coding change: c.1844T>G on transcript NM_003072.5 (MANE Select); coding-DNA position 1844, T replaced by G.
Protein change: p.Leu615Arg; replaces leucine 615 with arginine.
Molecular consequence: missense variant. On other transcripts: non-coding transcript variant (1).
Genome position (GRCh38, 1-based): chr19:11,003,060, T>G. VCF-style: chr19-11003060-T-G. GRCh37 (hg19) VCF-style: chr19-11113736-T-G.
Other names: c.1844T>G, p.Leu615Arg (NM_001128847.4, NM_001128848.2, NM_001128849.3 and 6 more transcripts); short protein forms L615R.
Identifiers: ClinVar variation 5029895 (VCV005029895.1).
Genomic context (GRCh38, chr19:11,003,060, plus strand): 5'-TCAGTGTCACACGAATGACTCTTTTTCAGCCTCTGGACGAGACCAGCCAGATGAGCGACC[T>G]CCCGGTGAAGGTGATCCACGTGGAGAGTGGGAAGATCCTCACAGGCACAGATGCCCCCAA-3'
Protein context (NP_003063.2, residues 605-625): PLDETSQMSD[Leu615Arg]PVKVIHVESG